The following is an entry in ClinVar:

ClinVar aggregate classification (germline): Uncertain significance (1 of 4 stars; one submission).

Submission:

Labcorp Genetics (formerly Invitae), Labcorp
Classification: Uncertain significance. Last evaluated: 2024-01-11. Review status: criteria provided, single submitter. Criteria: Invitae Variant Classification Sherloc (09022015). Collection method: clinical testing. Allele origin: germline.
Comment: This variant, c.310_315dup, results in the insertion of 2 amino acid(s) of the MNX1 protein (p.Gly104_Gly105dup), but otherwise preserves the integrity of the reading frame. The frequency data for this variant in the population databases is considered unreliable, as metrics indicate poor data quality at this position in the gnomAD database. This variant has not been reported in the literature in individuals affected with MNX1-related conditions. In summary, the available evidence is currently insufficient to determine the role of this variant in disease. Therefore, it has been classified as a Variant of Uncertain Significance.

NM_005515.4(MNX1):c.298GGC[8] (p.Gly105_Thr106insGlyGly)

Gene: MNX1 (motor neuron and pancreas homeobox 1; minus strand). Cytogenetic location: 7q36.3.
Variant type: Microsatellite.
Coding change: c.298GGC[8] on transcript NM_005515.4 (MANE Select); eight copies in a row of the 3-base unit GGC starting at c.298; the reference has six copies in a row; two copies, 6 bases duplicated.
Protein change: p.Gly105_Thr106insGlyGly.
Molecular consequence: inframe insertion.
Genome position (GRCh38, 1-based): chr7:157,010,036-157,010,041, GCCGCC duplicated on the plus strand (GGCGGC on the coding strand, the reverse complement: MNX1 is on the minus strand); duplicating any 6 consecutive bases within chr7:157,010,036-157,010,053 gives the same sequence; the position shown is the placement nearest the transcript's 3' end. VCF-style (leftmost placement, unchanged base first): chr7-157010035-T-TGCCGCC. GRCh37 (hg19) VCF-style: chr7-156802729-T-TGCCGCC.
Identifiers: ClinVar variation 2973451 (VCV002973451.3), dbSNP rs757330807, ClinGen allele CA579079895.
Genomic context (GRCh38, chr7:157,010,035, plus strand): 5'-CGGCAGCGGCCGCTGCGCCCGGATGCGCGTGGTGGTGGGGCCCCCCGTGCCCGCCGCCCG[T>TGCCGCC]GCCGCCGCCGCCGCCGCCCGCGCCCAGGAAGCCCGGCTTGGGCAGCAGCGCGCAGTGCGC-3'